The following is an entry in ClinVar:

NM_001458.5(FLNC):c.2735G>A (p.Gly912Asp)

Gene: FLNC (filamin C; plus strand). Cytogenetic location: 7q32.1.
Variant type: single nucleotide variant.
Coding change: c.2735G>A on transcript NM_001458.5 (MANE Select); coding-DNA position 2735, G replaced by A.
Protein change: p.Gly912Asp; replaces glycine 912 with aspartic acid.
Molecular consequence: missense variant.
Genome position (GRCh38, 1-based): chr7:128,843,501, G>A. VCF-style: chr7-128843501-G-A. GRCh37 (hg19) VCF-style: chr7-128483555-G-A.
Other names: c.2735G>A, p.Gly912Asp (NM_001127487.2); short protein forms G912D.
Identifiers: ClinVar variation 2951409 (VCV002951409.3), dbSNP rs749860448, ClinGen allele CA369193081.

ClinVar aggregate classification (germline): Uncertain significance (1 of 4 stars; one submission).

Conditions:
Myofibrillar myopathy 5. Also called: Filaminopathy (type); FILAMINOPATHY, AUTOSOMAL DOMINANT. Identifiers: Orphanet 171445, MedGen C1836050, MONDO:0012289, OMIM 609524.
Distal myopathy with posterior leg and anterior hand involvement. Also called: WILLIAMS DISTAL MYOPATHY. Identifiers: Orphanet 63273, MedGen C3279722, MONDO:0013550, OMIM 614065.
Hypertrophic cardiomyopathy 26. Also called: Cardiomyopathy, familial hypertrophic, 26. Identifiers: Orphanet 75249, MedGen C4310749, MONDO:0014883, OMIM 617047.

gnomAD v4.1: 3 of 1,614,030 alleles (0.00019%); highest among the groups gnomAD compares: East Asian, 0.0067%; no homozygotes.

Submission:

Labcorp Genetics (formerly Invitae), Labcorp
Classification: Uncertain significance for Distal myopathy with posterior leg and anterior hand involvement; Myofibrillar myopathy 5; Hypertrophic cardiomyopathy 26. Last evaluated: 2023-08-29. Review status: criteria provided, single submitter. Criteria: Invitae Variant Classification Sherloc (09022015). Collection method: clinical testing. Allele origin: germline.
Comment: In summary, the available evidence is currently insufficient to determine the role of this variant in disease. Therefore, it has been classified as a Variant of Uncertain Significance. Advanced modeling of protein sequence and biophysical properties (such as structural, functional, and spatial information, amino acid conservation, physicochemical variation, residue mobility, and thermodynamic stability) has been performed at Invitae for this missense variant, however the output from this modeling did not meet the statistical confidence thresholds required to predict the impact of this variant on FLNC protein function. This variant has not been reported in the literature in individuals affected with FLNC-related conditions. This sequence change replaces glycine, which is neutral and non-polar, with aspartic acid, which is acidic and polar, at codon 912 of the FLNC protein (p.Gly912Asp). This variant is not present in population databases (gnomAD no frequency).